The following is an entry in ClinVar:

ClinVar aggregate classification (germline): Uncertain significance (1 of 4 stars; one submission).

Conditions:
Epilepsy, early-onset, vitamin B6-dependent. Also called: EPILEPSY, EARLY-ONSET, 1, VITAMIN B6-DEPENDENT; PLPBP Deficiency. Identifiers: MedGen C4310632, MONDO:0015005, OMIM 617290.

Submission:

Baylor Genetics
Classification: Uncertain significance for Epilepsy, early-onset, vitamin B6-dependent. Last evaluated: 2020-02-07. Review status: criteria provided, single submitter. Criteria: ACMG Guidelines, 2015. Collection method: clinical testing. Allele origin: unknown. Affected: yes.
Comment: This variant was determined to be of uncertain significance according to ACMG Guidelines, 2015 [PMID:25741868].

NM_007198.4(PLPBP):c.347C>T (p.Thr116Ile)

Gene: PLPBP (pyridoxal phosphate binding protein; plus strand). Cytogenetic location: 8p11.23.
Variant type: single nucleotide variant.
Coding change: c.347C>T on transcript NM_007198.4 (MANE Select); coding-DNA position 347, C replaced by T.
Protein change: p.Thr116Ile; replaces threonine 116 with isoleucine.
Molecular consequence: missense variant.
Genome position (GRCh38, 1-based): chr8:37,772,782, C>T. VCF-style: chr8-37772782-C-T. GRCh37 (hg19) VCF-style: chr8-37630300-C-T.
Other names: c.347C>T, p.Thr116Ile (NM_001349346.2); c.341C>T, p.Thr114Ile (NM_001349347.2); c.191C>T, p.Thr64Ile (NM_001349348.2); short protein forms T116I, T64I, T114I.
Identifiers: ClinVar variation 1027731 (VCV001027731.1), dbSNP rs1803807471, ClinGen allele CA370667726.
Genomic context (GRCh38, chr8:37,772,782, plus strand): 5'-AAGGAATACTACTTTGCCTCTGTCTCATTACAGCTGTCCCCAATCTCTTCATGCTGGAAA[C>T]AGTGGATTCTGTGAAGTTGGCAGACAAAGTGAACAGTTCCTGGCAGAGAAAAGGTTCTCC-3'
Protein context (NP_009129.1, residues 106-126): MAVPNLFMLE[Thr116Ile]VDSVKLADKV